The following is an entry in ClinVar:

ClinVar aggregate classification (germline): Likely benign. Review status: criteria provided, multiple submitters, no conflicts (2 of 4 stars). 2 submissions from 2 submitters: Likely benign (2). Last evaluated 2026-05-01.

Allele frequency attached by ClinVar (database versions not stated): 1000 Genomes Project 30x 0.00031; 1000 Genomes Project 0.00040; gnomAD 0.00043; TOPMed 0.00043; ESP Exome Variant Server 0.00077.
gnomAD v4.1: 1,373 of 1,598,378 alleles (0.086%); highest among the groups gnomAD compares: South Asian, 0.34%; 1 homozygote.

Submissions (2):

CeGaT Center for Human Genetics Tuebingen
Classification: Likely benign. Last evaluated: 2026-05-01. Review status: criteria provided, single submitter. Criteria: CeGaT Center For Human Genetics Tuebingen Variant Classification Criteria Version 2. Collection method: clinical testing. Allele origin: germline. Affected: yes. Observed: 8 variant alleles.
Comment: KDM4B: BS1

Blueprint Genetics
Classification: Likely benign. Last evaluated: 2024-11-18. Review status: criteria provided, single submitter. Criteria: ACMG Guidelines, 2015. Collection method: clinical testing. Allele origin: germline.

NM_015015.3(KDM4B):c.2754C>T (p.Ala918=)

Gene: KDM4B (lysine demethylase 4B; plus strand). Cytogenetic location: 19p13.3.
Variant type: single nucleotide variant.
Coding change: c.2754C>T on transcript NM_015015.3 (MANE Select); coding-DNA position 2754, C replaced by T.
Protein change: p.Ala918=; no amino-acid change (alanine 918 retained).
Molecular consequence: synonymous variant.
Genome position (GRCh38, 1-based): chr19:5,144,265, C>T. VCF-style: chr19-5144265-C-T. GRCh37 (hg19) VCF-style: chr19-5144276-C-T.
Other names: c.2856C>T, p.Ala952= (NM_001411148.1).
Identifiers: ClinVar variation 2649106 (VCV002649106.25), dbSNP rs76966152, ClinGen allele CA9108378.
Genomic context (GRCh38, chr19:5,144,265, plus strand): 5'-ACACCCGCGCTGACCGCCCCCCACACCCTCCGCACCCTCCCAGGTCCAACTCCTGAGGGC[C>T]GTGTCCCTAGGCCAGGTGGTCATCACCAAGAACCGCAACGGGCTGTACTACCGCTGTCGC-3'
Protein context (NP_055830.1, residues 908-928): SGGHAVQLLR[Ala918=]VSLGQVVITK